The following is an entry in ClinVar:

NM_000383.4(AIRE):c.326C>T (p.Pro109Leu)

Gene: AIRE (autoimmune regulator; plus strand). Cytogenetic location: 21q22.3.
Variant type: single nucleotide variant.
Coding change: c.326C>T on transcript NM_000383.4 (MANE Select); coding-DNA position 326, C replaced by T.
Protein change: p.Pro109Leu; replaces proline 109 with leucine.
Molecular consequence: missense variant.
Genome position (GRCh38, 1-based): chr21:44,286,996, C>T. VCF-style: chr21-44286996-C-T. GRCh37 (hg19) VCF-style: chr21-45706879-C-T.
Other names: short protein forms P109L.
Identifiers: ClinVar variation 2957432 (VCV002957432.4), dbSNP rs377300731, ClinGen allele CA10051530.
Genomic context (GRCh38, chr21:44,286,996, plus strand): 5'-AAACCCTGAGGTTGGGACCCTGCTCCTGCCCCTGAGCTGCAGATGTGGACCTCAGCCAGC[C>T]CCGGAAGGGGAGGAAGCCCCCGGCCGTCCCCAAGGCTTTGGTACCGCCACCCAGACTCCC-3'
Protein context (NP_000374.1, residues 99-119): SFPKDVDLSQ[Pro109Leu]RKGRKPPAVP

ClinVar aggregate classification (germline): Uncertain significance. Review status: criteria provided, multiple submitters, no conflicts (2 of 4 stars). 2 submissions from 2 submitters: Uncertain significance (2). Last evaluated 2023-01-12.

Conditions:
Polyglandular autoimmune syndrome, type 1 (APS1). Also called: Whitaker syndrome; Autoimmune polyendocrinopathy syndrome, type I; AUTOIMMUNE POLYENDOCRINE SYNDROME, TYPE I, WITH OR WITHOUT REVERSIBLE METAPHYSEAL DYSPLASIA; APS I; HYPOADRENOCORTICISM WITH HYPOPARATHYROIDISM AND SUPERFICIAL MONILIASIS; PGA I. Identifiers: Orphanet 3453, MedGen C0085859, MONDO:0009411, OMIM 240300.

Allele frequency attached by ClinVar (database versions not stated): gnomAD exomes below 0.00001; ExAC 0.00001; ESP Exome Variant Server 0.00008.
gnomAD v4.1: 2 of 1,612,772 alleles (0.00012%); highest among the groups gnomAD compares: Non-Finnish European, 0.00017%; no homozygotes.

Submissions (2):

Labcorp Genetics (formerly Invitae), Labcorp
Classification: Uncertain significance for Polyglandular autoimmune syndrome, type 1. Last evaluated: 2023-01-12. Review status: criteria provided, single submitter. Criteria: Invitae Variant Classification Sherloc (09022015). Collection method: clinical testing. Allele origin: germline.
Comment: This sequence change replaces proline, which is neutral and non-polar, with leucine, which is neutral and non-polar, at codon 109 of the AIRE protein (p.Pro109Leu). This variant is present in population databases (rs377300731, gnomAD 0.002%). This variant has not been reported in the literature in individuals affected with AIRE-related conditions. Advanced modeling of protein sequence and biophysical properties (such as structural, functional, and spatial information, amino acid conservation, physicochemical variation, residue mobility, and thermodynamic stability) performed at Invitae indicates that this missense variant is not expected to disrupt AIRE protein function. In summary, the available evidence is currently insufficient to determine the role of this variant in disease. Therefore, it has been classified as a Variant of Uncertain Significance.

Blueprint Genetics
Classification: Uncertain significance. Last evaluated: 2021-03-24. Review status: criteria provided, single submitter. Criteria: ACMG Guidelines, 2015. Collection method: clinical testing. Allele origin: germline.